The following is an entry in ClinVar:

ClinVar aggregate classification (germline): Uncertain significance (1 of 4 stars; one submission).

Conditions:
Cardiovascular phenotype. Identifiers: MedGen CN230736.

Submission:

Ambry Genetics
Classification: Uncertain significance for Cardiovascular phenotype. Last evaluated: 2026-03-07. Review status: criteria provided, single submitter. Criteria: Ambry Variant Classification Scheme 2023. Collection method: clinical testing. Allele origin: germline.
Comment: The p.L752P variant (also known as c.2255T>C), located in coding exon 14 of the SCN10A gene, results from a T to C substitution at nucleotide position 2255. The leucine at codon 752 is replaced by proline, an amino acid with similar properties. This amino acid position is conserved. In addition, this alteration is predicted to be deleterious by in silico analysis. Based on the available evidence, the clinical significance of this variant remains unclear.

NM_006514.4(SCN10A):c.2255T>C (p.Leu752Pro)

Gene: SCN10A (sodium voltage-gated channel alpha subunit 10; minus strand). Cytogenetic location: 3p22.2.
Variant type: single nucleotide variant.
Coding change: c.2255T>C on transcript NM_006514.4 (MANE Select); coding-DNA position 2255, T replaced by C.
Protein change: p.Leu752Pro; replaces leucine 752 with proline.
Molecular consequence: missense variant.
Genome position (GRCh38, 1-based): chr3:38,739,540, A>G on the plus strand (T>C on the coding strand, the complement: SCN10A is on the minus strand). VCF-style: chr3-38739540-A-G. GRCh37 (hg19) VCF-style: chr3-38781031-A-G.
Other names: c.2255T>C, p.Leu752Pro (NM_001293306.2); c.1961T>C, p.Leu654Pro (NM_001293307.2); short protein forms L654P, L752P.
Identifiers: ClinVar variation 4826131 (VCV004826131.1).